The following is an entry in ClinVar:

ClinVar aggregate classification (germline): Uncertain significance (1 of 4 stars; one submission).

gnomAD v4.1: 33 of 1,562,146 alleles (0.0021%); highest among the groups gnomAD compares: Admixed American, 0.013%; no homozygotes.

Submission:

Labcorp Genetics (formerly Invitae), Labcorp
Classification: Uncertain significance. Last evaluated: 2025-02-10. Review status: criteria provided, single submitter. Criteria: Invitae Variant Classification Sherloc (09022015). Collection method: clinical testing. Allele origin: germline.
Comment: This sequence change replaces tryptophan, which is neutral and slightly polar, with cysteine, which is neutral and slightly polar, at codon 17 of the TMED7 protein (p.Trp17Cys). This variant is present in population databases (rs775673404, gnomAD 0.02%). This variant has not been reported in the literature in individuals affected with TMED7-related conditions. ClinVar contains an entry for this variant (Variation ID: 2178564). An algorithm developed to predict the effect of missense changes on protein structure and function (PolyPhen-2) suggests that this variant is likely to be tolerated. In summary, the available evidence is currently insufficient to determine the role of this variant in disease. Therefore, it has been classified as a Variant of Uncertain Significance.

NM_181836.6(TMED7):c.51G>C (p.Trp17Cys)

Genes: TMED7-TICAM2 (TMED7-TICAM2 readthrough; minus strand), TMED7 (transmembrane p24 trafficking protein 7; minus strand), LOC129994401 (ATAC-STARR-seq lymphoblastoid silent region 16254; plus strand). Cytogenetic location: 5q22.3.
Variant type: single nucleotide variant.
Coding change: c.51G>C on transcript NM_181836.6 (MANE Select); coding-DNA position 51, G replaced by C.
Protein change: p.Trp17Cys; replaces tryptophan 17 with cysteine.
Molecular consequence: missense variant.
Genome position (GRCh38, 1-based): chr5:115,625,742, C>G on the plus strand (G>C on the coding strand, the complement: TMED7 is on the minus strand). VCF-style: chr5-115625742-C-G. GRCh37 (hg19) VCF-style: chr5-114961439-C-G.
Other names: c.51G>C, p.Trp17Cys (NM_001164468.4, NM_001164469.4); short protein forms W17C.
Identifiers: ClinVar variation 2178564 (VCV002178564.4), dbSNP rs775673404, ClinGen allele CA3375251.
Genomic context (GRCh38, chr5:115,625,742, plus strand): 5'-GATCTCAGAGGCGCCGCCGGGTCCAGGCACCAGTAGCAGCAGTGCGAGCAGCCTGCACCC[C>G]CAACGGCCCGCGACGGCCGCCCAGCGCTGCGCGGACCCCGGCCGCGGCATCCCGAGAAGG-3'
Protein context (NP_861974.1, residues 7-27): AQRWAAVAGR[Trp17Cys]GCRLLALLLL